The following is an entry in ClinVar:

NM_004168.4(SDHA):c.1687G>C (p.Val563Leu)

Gene: SDHA (succinate dehydrogenase complex flavoprotein subunit A; plus strand). Cytogenetic location: 5p15.33.
Variant type: single nucleotide variant.
Coding change: c.1687G>C on transcript NM_004168.4 (MANE Select); coding-DNA position 1687, G replaced by C.
Protein change: p.Val563Leu; replaces valine 563 with leucine.
Molecular consequence: missense variant. On other transcripts: intron variant (1).
Genome position (GRCh38, 1-based): chr5:251,361, G>C. VCF-style: chr5-251361-G-C. GRCh37 (hg19) VCF-style: chr5-251476-G-C.
Other names: c.1543G>C, p.Val515Leu (NM_001294332.2); c.1552-3032G>C (NM_001330758.2); short protein forms V515L, V563L.
Identifiers: ClinVar variation 3748684 (VCV003748684.2).
Genomic context (GRCh38, chr5:251,361, plus strand): 5'-TCCCGCCTGCCCCTGATGGAACTTTTTGTGTCCCCAGGAATGGTCTGGAACACGGACCTG[G>C]TGGAGACCCTGGAGCTGCAGAACCTGATGCTGTGTGCGCTGCAGACCATCTACGGAGCAG-3'
Protein context (NP_004159.2, residues 553-573): DRGMVWNTDL[Val563Leu]ETLELQNLML

ClinVar aggregate classification (germline): Uncertain significance (1 of 4 stars; one submission).

Conditions:
Mitochondrial complex II deficiency, nuclear type 1. Also called: SUCCINATE CoQ REDUCTASE DEFICIENCY. Identifiers: Orphanet 3208, MedGen C5700310, MONDO:0100294, OMIM 252011.
Pheochromocytoma/paraganglioma syndrome 5. Also called: Paragangliomas 5; SDHA-Related Hereditary Paraganglioma-Pheochromocytoma Syndrome. Identifiers: Orphanet 29072, MedGen C3279992, MONDO:0013602, OMIM 614165.

Submission:

Labcorp Genetics (formerly Invitae), Labcorp
Classification: Uncertain significance for Pheochromocytoma/paraganglioma syndrome 5; Mitochondrial complex II deficiency, nuclear type 1. Last evaluated: 2024-11-24. Review status: criteria provided, single submitter. Criteria: Invitae Variant Classification Sherloc (09022015). Collection method: clinical testing. Allele origin: germline.
Comment: This sequence change replaces valine, which is neutral and non-polar, with leucine, which is neutral and non-polar, at codon 563 of the SDHA protein (p.Val563Leu). This variant is not present in population databases (gnomAD no frequency). This variant has not been reported in the literature in individuals affected with SDHA-related conditions. Invitae Evidence Modeling of protein sequence and biophysical properties (such as structural, functional, and spatial information, amino acid conservation, physicochemical variation, residue mobility, and thermodynamic stability) indicates that this missense variant is not expected to disrupt SDHA protein function with a negative predictive value of 95%. In summary, the available evidence is currently insufficient to determine the role of this variant in disease. Therefore, it has been classified as a Variant of Uncertain Significance.